The following is an entry in ClinVar:

NM_000059.4(BRCA2):c.9406C>G (p.Leu3136Val)

Gene: BRCA2 (BRCA2 DNA repair associated; plus strand). Cytogenetic location: 13q13.1.
Variant type: single nucleotide variant.
Coding change: c.9406C>G on transcript NM_000059.4 (MANE Select); coding-DNA position 9406, C replaced by G.
Protein change: p.Leu3136Val; replaces leucine 3136 with valine.
Molecular consequence: missense variant.
Genome position (GRCh38, 1-based): chr13:32,394,838, C>G. VCF-style: chr13-32394838-C-G. GRCh37 (hg19) VCF-style: chr13-32968975-C-G.
Other names: c.9310C>G, p.Leu3104Val (NM_001406719.1); c.9355C>G, p.Leu3119Val (NM_001406720.1); c.4474C>G, p.Leu1492Val (NM_001406721.1); c.2989C>G, p.Leu997Val (NM_001406722.1); short protein forms L1492V, L3104V, L3136V, L3119V, L997V.
Identifiers: ClinVar variation 1766865 (VCV001766865.6), dbSNP rs2137653701, ClinGen allele CA387761387.
Genomic context (GRCh38, chr13:32,394,838, plus strand): 5'-CCTCATATGTTAATTGCTGCAAGCAACCTCCAGTGGCGACCAGAATCCAAATCAGGCCTT[C>G]TTACTTTATTTGCTGGAGATTTTTCTGTGTTTTCTGCTAGTCCAAAAGAGGGCCACTTTC-3'
Protein context (NP_000050.3, residues 3126-3146): QWRPESKSGL[Leu3136Val]TLFAGDFSVF

ClinVar aggregate classification (germline): Conflicting classifications of pathogenicity. Review status: criteria provided, conflicting classifications (1 of 4 stars). 3 submissions from 3 submitters: Uncertain significance (2); Likely benign (1). Last evaluated 2025-05-16.

Conditions:
Hereditary cancer-predisposing syndrome. Also called: Hereditary Cancer Syndrome; Hereditary neoplastic syndrome; Neoplastic Syndromes, Hereditary; Tumor predisposition. Identifiers: Orphanet 140162, MedGen C0027672, MeSH D009386, MONDO:0015356.

Submissions (3):

Ambry Genetics
Classification: Likely benign for Hereditary cancer-predisposing syndrome. Last evaluated: 2025-05-16. Review status: criteria provided, single submitter. Criteria: Ambry Variant Classification Scheme 2023. Collection method: clinical testing. Allele origin: germline.

GeneDx
Classification: Uncertain significance. Last evaluated: 2022-06-28. Review status: criteria provided, single submitter. Criteria: GeneDx Variant Classification Process June 2021. Collection method: clinical testing. Allele origin: germline. Affected: yes.
Comment: In silico analysis supports that this missense variant does not alter protein structure/function; Has not been previously published as pathogenic or benign to our knowledge; Also known as 9634C>G; This variant is associated with the following publications: (PMID: 12228710)

Color Diagnostics, LLC DBA Color Health
Classification: Uncertain significance for Hereditary cancer-predisposing syndrome. Last evaluated: 2021-10-25. Review status: criteria provided, single submitter. Criteria: ACMG Guidelines, 2015. Collection method: clinical testing. Allele origin: germline.
Comment: This missense variant replaces leucine with valine at codon 3136 of the BRCA2 protein. Computational prediction suggests that this variant may not impact protein structure and function (internally defined REVEL score threshold <= 0.5, PMID: 27666373). To our knowledge, functional studies have not been reported for this variant. This variant has not been reported in individuals affected with hereditary cancer in the literature. This variant has not been identified in the general population by the Genome Aggregation Database (gnomAD). The available evidence is insufficient to determine the role of this variant in disease conclusively. Therefore, this variant is classified as a Variant of Uncertain Significance.